The following is an entry in ClinVar:

NM_016038.4(SBDS):c.624+2dup

Gene: SBDS (SBDS ribosome maturation factor; minus strand). Cytogenetic location: 7q11.21.
Variant type: Duplication.
Coding change: c.624+2dup on transcript NM_016038.4 (MANE Select); the canonical splice donor site of the intron after coding-DNA position 624, one base duplicated (T; older notation c.624+2dupT).
Molecular consequence: splice donor variant.
Genome position (GRCh38, 1-based): chr7:66,991,135, A duplicated on the plus strand (T on the coding strand, the reverse complement: SBDS is on the minus strand). VCF-style (leftmost placement, unchanged base first): chr7-66991134-T-TA. GRCh37 (hg19) VCF-style: chr7-66456121-T-TA.
Other names: c.624+2dup (LRG_104t1); c.624+2dupT (NM_016038.2).
Identifiers: ClinVar variation 432609 (VCV000432609.1), dbSNP rs1554341061, ClinGen allele CA455779880.

ClinVar aggregate classification (germline): Likely pathogenic (1 of 4 stars; one submission).

Submission:

GeneDx
Classification: Likely pathogenic. Last evaluated: 2017-06-02. Review status: criteria provided, single submitter. Criteria: GeneDx Variant Classification (06012015). Collection method: clinical testing. Allele origin: germline. Affected: yes.
Comment: The c.624+2dupT splice site variant has not been published as a pathogenic variant, nor has it been reported as a benign variant to our knowledge. The variant is not observed in large population cohorts (Lek et al., 2016; 1000 Genomes Consortium et al., 2015; Exome Variant Server). The variant destroys the canonical splice donor site in intron 4 and is predicted to cause abnormal gene splicing, either leading to an abnormal message that is subject to nonsense-mediated mRNA decay, or to an abnormal protein product if the message is used for protein translation. However, the adjacent exon 4 remains in-frame. In summary, we consider this variant to be likely pathogenic.